The following is an entry in ClinVar:

NM_018129.4(PNPO):c.701G>A (p.Arg234Gln)

Gene: PNPO (pyridoxamine 5'-phosphate oxidase; plus strand). Cytogenetic location: 17q21.32.
Variant type: single nucleotide variant.
Coding change: c.701G>A on transcript NM_018129.4 (MANE Select); coding-DNA position 701, G replaced by A.
Protein change: p.Arg234Gln; replaces arginine 234 with glutamine.
Molecular consequence: missense variant.
Genome position (GRCh38, 1-based): chr17:47,946,697, G>A. VCF-style: chr17-47946697-G-A. GRCh37 (hg19) VCF-style: chr17-46024063-G-A.
Other names: short protein forms R234Q.
Identifiers: ClinVar variation 1392417 (VCV001392417.8), dbSNP rs1446089309, ClinGen allele CA400062838.
Genomic context (GRCh38, chr17:47,946,697, plus strand): 5'-AGGTGATGGAGTTCTGGCAAGGTCAAACCAACCGCCTGCATGACCGGATAGTCTTTCGGC[G>A]GGGCCTACCCACAGGAGATTCCCCTTTGGGGCCCATGACCCACCGCGGGGAGGAAGACTG-3'
Protein context (NP_060599.1, residues 224-244): NRLHDRIVFR[Arg234Gln]GLPTGDSPLG

ClinVar aggregate classification (germline): Uncertain significance. Review status: criteria provided, multiple submitters, no conflicts (2 of 4 stars). 2 submissions from 2 submitters: Uncertain significance (2). Last evaluated 2024-12-09.

Conditions:
Pyridoxal phosphate-responsive seizures (PNPOD). Also called: Pyridoxine-5'-phosphate oxidase deficiency; Pyridoxal 5'-Phosphate (PLP)-Dependent Epilepsy; EPILEPTIC ENCEPHALOPATHY, NEONATAL, PNPO-RELATED; SEIZURES, PYRIDOXINE-RESISTANT, PLP-SENSITIVE; Pyridoxamine 5-Prime-Phosphate Oxidase Deficiency. Identifiers: Orphanet 79096, MedGen C1864723, MONDO:0012407, OMIM 610090. Disease mechanism: loss of function.
Inborn genetic diseases. Identifiers: MedGen C0950123, MeSH D030342.

Allele frequency attached by ClinVar (database versions not stated): gnomAD exomes 0.00001; gnomAD 0.00007; TOPMed 0.00008.
gnomAD v4.1: 26 of 1,614,066 alleles (0.0016%); highest among the groups gnomAD compares: African/African-American, 0.019%; no homozygotes.

Submissions (2):

Ambry Genetics
Classification: Uncertain significance for Inborn genetic diseases. Last evaluated: 2024-12-09. Review status: criteria provided, single submitter. Criteria: Ambry Variant Classification Scheme 2023. Collection method: clinical testing. Allele origin: germline.

Labcorp Genetics (formerly Invitae), Labcorp
Classification: Uncertain significance for Pyridoxal phosphate-responsive seizures. Last evaluated: 2022-08-19. Review status: criteria provided, single submitter. Criteria: Invitae Variant Classification Sherloc (09022015). Collection method: clinical testing. Allele origin: germline.
Comment: This sequence change replaces arginine, which is basic and polar, with glutamine, which is neutral and polar, at codon 234 of the PNPO protein (p.Arg234Gln). This variant is present in population databases (no rsID available, gnomAD 0.01%). This variant has not been reported in the literature in individuals affected with PNPO-related conditions. ClinVar contains an entry for this variant (Variation ID: 1392417). Algorithms developed to predict the effect of missense changes on protein structure and function are either unavailable or do not agree on the potential impact of this missense change (SIFT: "Deleterious"; PolyPhen-2: "Possibly Damaging"; Align-GVGD: "Class C0"). Algorithms developed to predict the effect of sequence changes on RNA splicing suggest that this variant may create or strengthen a splice site. In summary, the available evidence is currently insufficient to determine the role of this variant in disease. Therefore, it has been classified as a Variant of Uncertain Significance.